The following is an entry in ClinVar:

ClinVar aggregate classification (germline): Uncertain significance. Review status: criteria provided, multiple submitters, no conflicts (2 of 4 stars). 2 submissions from 2 submitters: Uncertain significance (2). Last evaluated 2026-06-17.

Conditions:
Cardiovascular phenotype. Identifiers: MedGen CN230736.
Osteogenesis imperfecta type I (OI1). Also called: OI, TYPE I; OSTEOGENESIS IMPERFECTA TARDA; OSTEOGENESIS IMPERFECTA WITH BLUE SCLERAE; Osteogenesis imperfecta type 1; Classic Non-deforming Osteogenesis Imperfecta with Blue Sclerae; Lobstein's Disease. Identifiers: Orphanet 216796, Orphanet 666, MedGen C0023931, MONDO:0008146, OMIM 166200. Disease mechanism: loss of function.

gnomAD v4.1: 4 of 1,591,118 alleles (0.00025%); highest among the groups gnomAD compares: East Asian, 0.0022%; no homozygotes.

Submissions (2):

Ambry Genetics
Classification: Uncertain significance for Cardiovascular phenotype. Last evaluated: 2026-06-17. Review status: criteria provided, single submitter. Criteria: Ambry Variant Classification Scheme 2023. Collection method: clinical testing. Allele origin: germline.

Labcorp Genetics (formerly Invitae), Labcorp
Classification: Uncertain significance for Osteogenesis imperfecta type I. Last evaluated: 2022-01-28. Review status: criteria provided, single submitter. Criteria: Invitae Variant Classification Sherloc (09022015). Collection method: clinical testing. Allele origin: germline.
Comment: In summary, the available evidence is currently insufficient to determine the role of this variant in disease. Therefore, it has been classified as a Variant of Uncertain Significance. Algorithms developed to predict the effect of missense changes on protein structure and function are either unavailable or do not agree on the potential impact of this missense change (SIFT: "Deleterious"; PolyPhen-2: "Not Available"; Align-GVGD: "Class C65"). This variant has not been reported in the literature in individuals affected with COL1A1-related conditions. This variant is present in population databases (no rsID available, gnomAD 0.0009%). This sequence change replaces proline, which is neutral and non-polar, with serine, which is neutral and polar, at codon 817 of the COL1A1 protein (p.Pro817Ser).

NM_000088.4(COL1A1):c.2449C>T (p.Pro817Ser)

Gene: COL1A1 (collagen type I alpha 1 chain; minus strand). Cytogenetic location: 17q21.33.
Variant type: single nucleotide variant.
Coding change: c.2449C>T on transcript NM_000088.4 (MANE Select); coding-DNA position 2449, C replaced by T.
Protein change: p.Pro817Ser; replaces proline 817 with serine.
Molecular consequence: missense variant.
Genome position (GRCh38, 1-based): chr17:50,190,329, G>A on the plus strand (C>T on the coding strand, the complement: COL1A1 is on the minus strand). VCF-style: chr17-50190329-G-A. GRCh37 (hg19) VCF-style: chr17-48267690-G-A.
Other names: short protein forms P817S.
Identifiers: ClinVar variation 2172630 (VCV002172630.5), dbSNP rs769167761, ClinGen allele CA400207912.